The following continues an entry in ClinVar:

NM_000142.5(FGFR3):c.1138G>A (p.Gly380Arg)

Gene: FGFR3. ClinVar aggregate classification (germline): Pathogenic. Pathogenic (57).

Submissions 19 to 29 of 70:

Rady Children's Institute for Genomic Medicine, Rady Children's Hospital San Diego
Classification: Pathogenic for FGFR3-related disorders. Last evaluated: 2024-11-06. Review status: criteria provided, single submitter. Criteria: ACMG Guidelines, 2015. Collection method: clinical testing. Allele origin: germline. Affected: yes.
Comment: This variant results in a c.1138G>A (p.Gly380Arg) change in an alternate transcript (NM_000142.5). The c.1144G>A (p.Gly382Arg) variant affects a moderately conserved amino acid and is predicted by multiple in silico tools to have a deleterious effect on protein function. This is a known Pathogenic variant that has been previously reported as a de novo or heterozygous change primarily in patients with achondroplasia (PMID: 8078586, 22045636, 25614871), while a few individuals have also been described with hypochondroplasia (PMID: 25614871) or with both achondroplasia and craniosynostosis (PMID: 21739570, 25691418).This variant along with a different nucleotide change at the same location, c.1144G>C (p.Gly382Arg), are observed in approximately 90% of individuals with achondroplasia (PMID: 22045636, 25614871). Functional studies demonstrated that the c.1144G>A (p.Gly382Arg) variant impacts ERK MAP kinase activation and inhibits chondrocyte proliferation (PMID: 9857065, 19088846, 28230213, 22045636). The c.1144G>A (p.Gly382Arg) variant is present in the latest version of the gnomAD population database at an allele frequency of 0.0004% (7/1613160). Based on the available evidence, c.1144G>A (p.Gly382Arg) is classified as Pathogenic.

Blueprint Genetics
Classification: Pathogenic for FGFR3-related disorders. Last evaluated: 2024-10-17. Review status: criteria provided, single submitter. Criteria: ACMG Guidelines, 2015. Collection method: clinical testing. Allele origin: de novo. Affected: yes. Observed: 5 variant alleles.

Dubai Health Genomic Medicine Center, Dubai Health
Classification: Pathogenic for Muenke syndrome. Last evaluated: 2024-10-04. Review status: criteria provided, single submitter. Criteria: ACMG Guidelines, 2015. Collection method: research. Allele origin: germline. Affected: yes.
Comment: PS4, PP4, PP3, PM5, PM2

Institute of Human Genetics, FAU Erlangen, Friedrich-Alexander-Universität Erlangen-Nürnberg
Classification: Pathogenic for Achondroplasia. Last evaluated: 2024-08-26. Review status: criteria provided, single submitter. Criteria: Hauer et al. (Genet Med. 2018). Collection method: clinical testing. Allele origin: germline. Inheritance: Unknown mechanism. Affected: yes. Observed: 1 variant allele.
Comment: This variant has been identified by standard clinical testing. Selected ACMG criteria: Pathogenic (II):PP5;PP4;PP3;PM2;PM1;PS3;PS1

Pittsburgh Clinical Genomics Laboratory, University of Pittsburgh Medical Center
Classification: Pathogenic for Severe achondroplasia-developmental delay-acanthosis nigricans syndrome. Last evaluated: 2024-05-01. Review status: criteria provided, single submitter. Criteria: ACMG Guidelines, 2015. Collection method: clinical testing. Allele origin: germline. Inheritance: Autosomal unknown. Affected: yes.
Comment: This sequence variant is a single nucleotide substitution (G>A) at position 1138 of the coding sequence of the FGFR3 gene that results in a glycine to arginine amino acid change at residue 380 of the fibroblast growth factor receptor 3 protein. This is a well-known variant that has also been referred to as c.1144G>A and p.Gly382Arg in the literature. This residue falls in the transmembrane domain (PMID: 24120763) which plays a critical role in the dimerization of the protein. This is a previously reported variant (ClinVar 16327) that has been observed as the most common variant in individuals affected by achondroplasia (PMID: 20301331, 33942288, 32502767, 31994750, 31299979, 31218223, 30692697, 30138938, 29681095, 25691418, 25614871, 21739570, 18266238). This variant is present in 7 of 1460854 alleles (0.0005%) in the gnomAD v4.0.0 population dataset. Multiple bioinformatic tools predict that this glycine to arginine amino acid change would be damaging, and the Gly380 residue at this position is highly conserved across the vertebrate species examined. Studies examining the functional consequence of this variant find significantly affected dimerization of the protein leading to increased FGFR3 activity (PMID: 23056398, 21324899, 20624921). Additionally, a mouse model expressing the variant recapitulated known achondroplasia patient phenotypes (PMID: 28230213). Based upon the evidence, we consider this variant to be pathogenic. ACMG Criteria: PM2, PP3, PS1, PS3, PS4

Genomic Medicine Center of Excellence, King Faisal Specialist Hospital and Research Centre
Classification: Pathogenic for Achondroplasia. Last evaluated: 2024-03-14. Review status: criteria provided, single submitter. Criteria: ACMG Guidelines, 2015. Collection method: research. Allele origin: germline.

Institute for Clinical Genetics, University Hospital TU Dresden, University Hospital TU Dresden
Classification: Pathogenic for Achondroplasia. Last evaluated: 2024-01-16. Review status: criteria provided, single submitter. Criteria: ACMG Guidelines, 2015. Collection method: clinical testing. Allele origin: germline. Affected: yes.
Comment: The variant in the FGFR3 gene (NM_000142.5:c.1138G>A, p.(Gly380Arg)) leads to an amino acid exchange at position 380 in the corresponding protein due to a base exchange at position 1138 of the mRNA. This variant is classified as pathogenic 46 times in the ClinVar database. Another variant at the same nucleotide position is classified as pathogenic 10 times in the ClinVar database (NM_000142.5:c.1138G>C, p.(Gly380Arg)). The gene empirically shows no increased sensitivity to missense variants (Z-score 1.18). Bioinformatic prediction algorithms estimate the effect of the variant on protein function as deleterious (REVEL score 0.7). In a functional study, it was shown that this variant leads to increased dimerization of the receptor, which is associated with increased activity (PMID: 23056398). The variant has already been reported de novo in the literature and segregated in several families with the disease (PMID: 8078586, PMID: 7847369). In the gnomAD database, this variant has been found 7 times heterozygous in healthy individuals. According to current ACMG recommendations for variant evaluation (PMID 25741868), the criteria PS1, PS3_SUP, PS4, PM6, PP1 and PP3 are fulfilled, resulting in an evaluation as a pathogenic variant (ACMG class 5).

New York Genome Center
Classification: Pathogenic for Achondroplasia. Last evaluated: 2023-11-02. Review status: criteria provided, single submitter. Criteria: NYGC Assertion Criteria 2020. Collection method: clinical testing. Allele origin: germline, de novo. Affected: yes. Observed: 2 variant alleles, 2 heterozygotes. Clinical features observed: Fetal growth restriction (HP:0001511), Short long bone (HP:0003026), Short fetal femur length (HP:0011428), Short femur (HP:0003097), Short fetal humerus length (HP:0011429), Short humerus (HP:0005792), Fibular hypoplasia (HP:0003038), Short tibia (HP:0005736). Study: PrenatalSEQ.
Comment: The c.1138G>A p.(Gly380Arg) missense variant in FGFR3 is the most common pathogenic variant identified in individuals with achondroplasia [in approximately 98% of cases; PMID:20301331], and has been deposited to ClinVar database by multiple clinical laboratories as Pathogenic [Variation ID: 16327]. The c.1138G>A variant is located in exon 9 of this 18-exon gene and is predicted to replace glycine amino acid with arginine at position 380 ofthe encoded protein. In silico predictions are in favor of the variant’s deleterious effect [REVEL = 0.696]. In vitro functional studies indicated increased dimerization for the mutant protein resulting in ligand-independent phosphorylation of ERK and reduced proliferation of chondrocytes (PMID:23056398,19088846). A knock-in mouse model expressing the p.(Gly380Arg) variant recapitulated the phenotypes observed in human achondroplasia patients [PMID:28230213]. Based on the available evidence, this heterozygous c.1138G>A p.(Gly380Arg) missense variant identified in FGFR3 is reported as Pathogenic.

Division of Human Genetics, National Health Laboratory Service/University of the Witwatersrand
Classification: Pathogenic for Achondroplasia. Last evaluated: 2023-07-01. Review status: criteria provided, single submitter. Criteria: ACMG Guidelines, 2015. Collection method: research. Allele origin: germline. Affected: yes.

Neuberg Centre For Genomic Medicine, NCGM
Classification: Pathogenic for Achondroplasia. Last evaluated: 2023-06-02. Review status: criteria provided, single submitter. Criteria: ACMG Guidelines, 2015. Collection method: clinical testing. Allele origin: germline. Inheritance: Autosomal dominant inheritance. Affected: yes.
Comment: The observed missense c.1138G>A(p.Gly380Arg) variant in FGFR3 gene has been reported previously in in multiple individuals affected with FGFR3-related skeletal disorders (Accogli et al., 2015; Xue et al., 2014; Georgoulis et al., 2011). This variant has been observed to segregate with disease in related individuals (Stoilov et al., 1995). Functional analysis of this variant in heterologous cells indicates increased dimerization at lower receptor concentrations resulting in ligand-independent phosphorylation of ERK and reduced proliferation of chondrocytes (Placone and Hristova 2012). A mouse model expressing the p.Gly380Arg variant recapitulates the skeletal alterations observed in affected patients including growth retardation, disproportionate shortening of the limbs, round head, mid-face hypoplasia at birth, and kyphosis progression (Lee et al., 2017). The p.Gly380Arg variant is present with allele frequency of 0% in gnomAD Exomes. This variant has been submitted to the ClinVar database as Pathogenic (multiple submissions). Multiple lines of computational evidences (Polyphen - Probably damaging, SIFT - Tolerated and MutationTaster - Disease causing) predict conflicting evidence on protein structure and function for this variant. The reference amino acid of p.Gly380Arg is predicted as conserved by GERP++ and PhyloP across 100 vertebrates. The amino acid Gly at position 380 is changed to a Arg changing protein sequence and it might alter its composition and physico-chemical properties. For these reasons, this variant has been classified as Pathogenic.

Genomic Medicine Center of Excellence, King Faisal Specialist Hospital and Research Centre
Classification: Pathogenic for Camptodactyly-tall stature-scoliosis-hearing loss syndrome. Last evaluated: 2023-05-08. Review status: criteria provided, single submitter. Criteria: ACMG Guidelines, 2015. Collection method: research. Allele origin: germline. Affected: yes.